The following is an entry in ClinVar:

ClinVar aggregate classification (germline): Conflicting classifications of pathogenicity. Review status: criteria provided, conflicting classifications (1 of 4 stars). 2 submissions from 2 submitters: Uncertain significance (1); Likely benign (1). Last evaluated 2025-11-24.

Conditions:
Lipoic acid synthetase deficiency. Also called: HYPERGLYCINEMIA, LACTIC ACIDOSIS, AND SEIZURES. Identifiers: Orphanet 401859, MedGen C3280887, MONDO:0013762, OMIM 614462.

Allele frequency attached by ClinVar (database versions not stated): ExAC 0.00002; gnomAD exomes 0.00002; gnomAD 0.00003; TOPMed 0.00003.
gnomAD v4.1: 46 of 1,612,110 alleles (0.0029%); highest among the groups gnomAD compares: Middle Eastern, 0.082%; no homozygotes.

Submissions (2):

Labcorp Genetics (formerly Invitae), Labcorp
Classification: Likely benign for Lipoic acid synthetase deficiency. Last evaluated: 2025-11-24. Review status: criteria provided, single submitter. Criteria: Invitae Variant Classification Sherloc (09022015). Collection method: clinical testing. Allele origin: germline.

CeGaT Center for Human Genetics Tuebingen
Classification: Uncertain significance. Last evaluated: 2025-07-01. Review status: criteria provided, single submitter. Criteria: CeGaT Center For Human Genetics Tuebingen Variant Classification Criteria Version 2. Collection method: clinical testing. Allele origin: germline. Affected: yes. Observed: 1 variant allele.
Comment: LIAS: PM2

NM_006859.4(LIAS):c.375C>T (p.Thr125=)

Gene: LIAS (lipoic acid synthetase; plus strand). Cytogenetic location: 4p14.
Variant type: single nucleotide variant.
Coding change: c.375C>T on transcript NM_006859.4 (MANE Select); coding-DNA position 375, C replaced by T.
Protein change: p.Thr125=; no amino-acid change (threonine 125 retained).
Molecular consequence: synonymous variant. On other transcripts: missense variant (2).
Genome position (GRCh38, 1-based): chr4:39,463,587, C>T. VCF-style: chr4-39463587-C-T. GRCh37 (hg19) VCF-style: chr4-39465207-C-T.
Other names: c.375C>T, p.Thr125= (NM_001278590.2, NM_001278591.2, NM_194451.3); c.281C>T, p.Pro94Leu (NM_001278592.2, NM_001363700.2); short protein forms P94L.
Identifiers: ClinVar variation 1143566 (VCV001143566.17), dbSNP rs538035764, ClinGen allele CA2894652.
Genomic context (GRCh38, chr4:39,463,587, plus strand): 5'-ATGTGAGGAAGCTCGATGTCCCAATATTGGAGAGTGTTGGGGAGGTGGAGAATATGCCAC[C>T]GCCACAGCCACGATCATGGTAGGGCCAGCCTCAACCTCTATGGCTTTAGTCTAGAAACTG-3'
Protein context (NP_006850.2, residues 115-135): GECWGGGEYA[Thr125=]ATATIMLMGD